The following is an entry in ClinVar:

NM_000088.4(COL1A1):c.3208-127T>C

Gene: COL1A1 (collagen type I alpha 1 chain; minus strand). Cytogenetic location: 17q21.33.
Variant type: single nucleotide variant.
Coding change: c.3208-127T>C on transcript NM_000088.4 (MANE Select); 127 bases into the intron before coding-DNA position 3208, T replaced by C.
Molecular consequence: intron variant.
Genome position (GRCh38, 1-based): chr17:50,188,276, A>G on the plus strand (T>C on the coding strand, the complement: COL1A1 is on the minus strand). VCF-style: chr17-50188276-A-G. GRCh37 (hg19) VCF-style: chr17-48265637-A-G.
Identifiers: ClinVar variation 680045 (VCV000680045.2), dbSNP rs41316699, ClinGen allele CA291543031.

ClinVar aggregate classification (germline): Benign. Review status: criteria provided, multiple submitters, no conflicts (2 of 4 stars). 2 submissions from 2 submitters: Benign (2). Last evaluated 2018-06-14.

Allele frequency attached by ClinVar (database versions not stated): gnomAD exomes 0.00332; gnomAD 0.02094 and 0.02177; TOPMed 0.02384; 1000 Genomes Project 0.02516; 1000 Genomes Project 30x 0.02608.
gnomAD v4.1: 6,208 of 1,026,320 alleles (0.6%); highest among the groups gnomAD compares: African/African-American, 6.8%; 189 homozygotes.

Submissions (2):

GeneDx
Classification: Benign. Last evaluated: 2018-06-14. Review status: criteria provided, single submitter. Criteria: GeneDx Variant Classification (06012015). Collection method: clinical testing. Allele origin: germline. Affected: yes.
Comment: This variant is considered likely benign or benign based on one or more of the following criteria: it is a conservative change, it occurs at a poorly conserved position in the protein, it is predicted to be benign by multiple in silico algorithms, and/or has population frequency not consistent with disease.

Breakthrough Genomics
Classification: Benign. Review status: criteria provided, single submitter. Criteria: ACMG Guidelines, 2015. Collection method: not provided. Allele origin: germline. Inheritance: Autosomal dominant inheritance. Affected: yes.